The following is an entry in ClinVar:

NM_001042492.3(NF1):c.3114-5T>G

Gene: NF1 (neurofibromin 1; plus strand). Cytogenetic location: 17q11.2.
Variant type: single nucleotide variant.
Coding change: c.3114-5T>G on transcript NM_001042492.3 (MANE Select); 5 bases into the intron before coding-DNA position 3114, T replaced by G.
Molecular consequence: intron variant.
Genome position (GRCh38, 1-based): chr17:31,230,837, T>G. VCF-style: chr17-31230837-T-G. GRCh37 (hg19) VCF-style: chr17-29557855-T-G.
Other names: c.3114-5T>G (NM_000267.4).
Identifiers: ClinVar variation 3404895 (VCV003404895.1).

ClinVar aggregate classification (germline): Uncertain significance (1 of 4 stars; one submission).

Conditions:
Hereditary cancer-predisposing syndrome. Also called: Hereditary Cancer Syndrome; Tumor predisposition; Hereditary neoplastic syndrome; Neoplastic Syndromes, Hereditary. Identifiers: Orphanet 140162, MedGen C0027672, MeSH D009386, MONDO:0015356.
Cardiovascular phenotype. Identifiers: MedGen CN230736.

Submission:

Ambry Genetics
Classification: Uncertain significance for Cardiovascular phenotype; Hereditary cancer-predisposing syndrome. Last evaluated: 2024-11-13. Review status: criteria provided, single submitter. Criteria: Ambry Variant Classification Scheme 2023. Collection method: clinical testing. Allele origin: germline.
Comment: The c.3114-5T>G intronic variant results from a T to G substitution 5 nucleotides upstream from coding exon 24 in the NF1 gene. This nucleotide position is well conserved in available vertebrate species. In silico splice site analysis predicts that this alteration will not have any significant effect on splicing. Based on the available evidence, the clinical significance of this variant remains unclear.